The following is an entry in ClinVar:

ClinVar aggregate classification (germline): Likely benign (1 of 4 stars; one submission).

Conditions:
Leigh syndrome (NULS). Also called: Leigh's necrotizing encephalopathy; Leigh's disease; Leigh Syndrome (mtDNA deletion); Leigh Disease; Subacute necrotizing encephalopathy; Necrotizing encephalopathy infantile subacute of Leigh. Identifiers: Orphanet 506, MedGen C2931891, MONDO:0009723, OMIM 256000.

Submission:

Wong Mito Lab, Molecular and Human Genetics, Baylor College of Medicine
Classification: Likely benign for Leigh syndrome. Last evaluated: 2019-10-17. Review status: criteria provided, single submitter. Criteria: Modified ACMG Guidelines (Unpublished). Collection method: clinical testing. Allele origin: germline.
Comment: The NC_012920.1:m.8557G>C (YP_003024031.1:p.Ala11Pro) variant in MTATP6 gene (also (YP_003024030.1:p.Leu64Phe) variant in MTATP8 gene) is interpretated to be a Likely Benign variant based on the modified ACMG guidelines (unpublished). This variant meets the following evidence codes: BS1, BP6

NC_012920.1(MT-ATP8):m.8557G>C

Genes: MT-ATP8 (mitochondrially encoded ATP synthase 8; plus strand), MT-ATP6 (mitochondrially encoded ATP synthase 6; plus strand).
Variant type: single nucleotide variant.
Genome position: chrM-8557-G-C.
Identifiers: ClinVar variation 692901 (VCV000692901.1), dbSNP rs386829040, ClinGen allele CA337097920.